The following is an entry in ClinVar:

ClinVar aggregate classification (germline): Likely benign (1 of 4 stars; one submission).

gnomAD v4.1: 20 of 1,613,520 alleles (0.0012%); highest among the groups gnomAD compares: East Asian, 0.042%; no homozygotes.

Submission:

CeGaT Center for Human Genetics Tuebingen
Classification: Likely benign. Last evaluated: 2025-06-01. Review status: criteria provided, single submitter. Criteria: CeGaT Center For Human Genetics Tuebingen Variant Classification Criteria Version 2. Collection method: clinical testing. Allele origin: germline. Affected: yes. Observed: 1 variant allele.
Comment: ZNF12: BP4, BP7

NM_016265.4(ZNF12):c.1323G>A (p.Glu441=)

Gene: ZNF12 (zinc finger protein 12; minus strand). Cytogenetic location: 7p22.1.
Variant type: single nucleotide variant.
Coding change: c.1323G>A on transcript NM_016265.4 (MANE Select); coding-DNA position 1323, G replaced by A.
Protein change: p.Glu441=; no amino-acid change (glutamic acid 441 retained).
Molecular consequence: synonymous variant.
Genome position (GRCh38, 1-based): chr7:6,691,619, C>T on the plus strand (G>A on the coding strand, the complement: ZNF12 is on the minus strand). VCF-style: chr7-6691619-C-T. GRCh37 (hg19) VCF-style: chr7-6731250-C-T.
Other names: c.1209G>A, p.Glu403= (NM_006956.3).
Identifiers: ClinVar variation 4084643 (VCV004084643.8).